The following is an entry in ClinVar:

NM_004360.5(CDH1):c.452G>A (p.Arg151Lys)

Gene: CDH1 (cadherin 1; plus strand). Cytogenetic location: 16q22.1.
Variant type: single nucleotide variant.
Coding change: c.452G>A on transcript NM_004360.5 (MANE Select); coding-DNA position 452, G replaced by A.
Protein change: p.Arg151Lys; replaces arginine 151 with lysine.
Molecular consequence: missense variant. On other transcripts: 5 prime UTR variant (2).
Genome position (GRCh38, 1-based): chr16:68,808,488, G>A. VCF-style: chr16-68808488-G-A. GRCh37 (hg19) VCF-style: chr16-68842391-G-A.
Other names: c.452G>A, p.Arg151Lys (NM_001317184.2); c.-1164G>A (NM_001317185.2); c.-1368G>A (NM_001317186.2); short protein forms R151K.
Identifiers: ClinVar variation 3488637 (VCV003488637.1).
Genomic context (GRCh38, chr16:68,808,488, plus strand): 5'-CCGTTTCTGGAATCCAAGCAGAATTGCTCACATTTCCCAACTCCTCTCCTGGCCTCAGAA[G>A]ACAGAAGAGAGACTGGGTTATTCCTCCCATCAGCTGCCCAGAAAATGAAAAAGGCCCATT-3'
Protein context (NP_004351.1, residues 141-161): TFPNSSPGLR[Arg151Lys]QKRDWVIPPI

ClinVar aggregate classification (germline): Uncertain significance (1 of 4 stars; one submission).

Conditions:
Hereditary cancer-predisposing syndrome. Also called: Tumor predisposition; Neoplastic Syndromes, Hereditary; Hereditary Cancer Syndrome; Hereditary neoplastic syndrome. Identifiers: Orphanet 140162, MedGen C0027672, MeSH D009386, MONDO:0015356.

Submission:

Ambry Genetics
Classification: Uncertain significance for Hereditary cancer-predisposing syndrome. Last evaluated: 2024-07-26. Review status: criteria provided, single submitter. Criteria: Ambry Variant Classification Scheme 2023. Collection method: clinical testing. Allele origin: germline.
Comment: The p.R151K variant (also known as c.452G>A), located in coding exon 4 of the CDH1 gene, results from a G to A substitution at nucleotide position 452. The arginine at codon 151 is replaced by lysine, an amino acid with highly similar properties. This amino acid position is highly conserved in available vertebrate species. In addition, the in silico prediction for this alteration is inconclusive. Based on the available evidence, the clinical significance of this variant remains unclear.